The following is an entry in ClinVar:

NM_001540.5(HSPB1):c.365-7C>G

Gene: HSPB1 (heat shock protein family B (small) member 1; plus strand). Cytogenetic location: 7q11.23.
Variant type: single nucleotide variant.
Coding change: c.365-7C>G on transcript NM_001540.5 (MANE Select); 7 bases into the intron before coding-DNA position 365, C replaced by G.
Molecular consequence: intron variant.
Genome position (GRCh38, 1-based): chr7:76,303,795, C>G. VCF-style: chr7-76303795-C-G. GRCh37 (hg19) VCF-style: chr7-75933112-C-G.
Other names: c.365-7C>G (LRG_248t1).
Identifiers: ClinVar variation 465272 (VCV000465272.13), dbSNP rs201897299, ClinGen allele CA4306356.

ClinVar aggregate classification (germline): Likely benign. Review status: criteria provided, multiple submitters, no conflicts (2 of 4 stars). 4 submissions from 4 submitters: Likely benign (4). Last evaluated 2026-01-15.

Conditions:
HSPB1-related disorder. Also called: HSPB1-related disorders; HSPB1-related condition.
Charcot-Marie-Tooth disease. Also called: Charcot-Marie-Tooth Neuropathy; Charcot-Marie-Tooth Hereditary Neuropathy. Identifiers: Orphanet 166, MedGen C0007959, MONDO:0015626.
Charcot-Marie-Tooth disease axonal type 2F (CMT2F). Also called: CHARCOT-MARIE-TOOTH DISEASE, NEURONAL, TYPE 2F; Charcot-Marie-Tooth Neuropathy Type 2F. Identifiers: Orphanet 99940, MedGen C1847823, MONDO:0011687, OMIM 606595.

Allele frequency attached by ClinVar (database versions not stated): gnomAD 0.00011; TOPMed 0.00014.

Submissions (4):

Labcorp Genetics (formerly Invitae), Labcorp
Classification: Likely benign for Charcot-Marie-Tooth disease axonal type 2F. Last evaluated: 2026-01-15. Review status: criteria provided, single submitter. Criteria: Invitae Variant Classification Sherloc (09022015). Collection method: clinical testing. Allele origin: germline.

PreventionGenetics, part of Exact Sciences
Classification: Likely benign for HSPB1-related condition. Last evaluated: 2025-03-13. Review status: criteria provided, single submitter. Criteria: ACMG Guidelines, 2015. Collection method: clinical testing. Allele origin: germline.
Comment: This variant is classified as likely benign based on ACMG/AMP sequence variant interpretation guidelines (Richards et al. 2015 PMID: 25741868, with internal and published modifications).

GeneDx
Classification: Likely benign. Last evaluated: 2017-02-23. Review status: criteria provided, single submitter. Criteria: GeneDx Variant Classification (06012015). Collection method: clinical testing. Allele origin: germline. Affected: yes.
Comment: This variant is considered likely benign or benign based on one or more of the following criteria: it is a conservative change, it occurs at a poorly conserved position in the protein, it is predicted to be benign by multiple in silico algorithms, and/or has population frequency not consistent with disease.

Molecular Genetics Laboratory, London Health Sciences Centre
Classification: Likely benign for Charcot-Marie-Tooth disease. Review status: criteria provided, single submitter. Criteria: ACMG Guidelines, 2015. Collection method: clinical testing. Allele origin: germline. Affected: yes.